The following is an entry in ClinVar:

ClinVar aggregate classification (germline): Uncertain significance (1 of 4 stars; one submission).

Allele frequency attached by ClinVar (database versions not stated): ExAC 0.00001; gnomAD 0.00001; gnomAD exomes 0.00001.
gnomAD v4.1: 6 of 1,207,551 alleles (0.0005%); highest among the groups gnomAD compares: South Asian, 0.0018%; no homozygotes.

Submission:

GeneDx
Classification: Uncertain significance. Last evaluated: 2017-04-12. Review status: criteria provided, single submitter. Criteria: GeneDx Variant Classification (06012015). Collection method: clinical testing. Allele origin: germline. Affected: yes.
Comment: The R521H variant in the MID1 gene has not been reported previously as a pathogenic variant, nor as a benign variant, to our knowledge. The R521H variant is not observed at a significant frequency in large population cohorts (Lek et al., 2016; 1000 Genomes Consortium et al., 2015; Exome Variant Server). A previous affected pregnancy for the proband's mother was not tested for the R521C variant (Ji et al., 2014). The R521H variant is a conservative amino acid substitution, which is not likely to impact secondary protein structure as these residues share similar properties. This substitution occurs at a position that is conserved across species. In silico analysis is inconsistent in its predictions as to whether or not the variant is damaging to the protein structure/function. Based on the available evidence, we interpret R521H as a variant of uncertain significance.

NM_000381.4(MID1):c.1562G>A (p.Arg521His)

Gene: MID1 (midline 1; minus strand). Cytogenetic location: Xp22.2.
Variant type: single nucleotide variant.
Coding change: c.1562G>A on transcript NM_000381.4 (MANE Select); coding-DNA position 1562, G replaced by A.
Protein change: p.Arg521His; replaces arginine 521 with histidine.
Molecular consequence: missense variant.
Genome position (GRCh38, 1-based): chrX:10,454,963, C>T on the plus strand (G>A on the coding strand, the complement: MID1 is on the minus strand). VCF-style: chrX-10454963-C-T. GRCh37 (hg19) VCF-style: chrX-10423003-C-T.
Other names: c.1562G>A, p.Arg521His (NM_001098624.2, NM_001193277.1, NM_001347733.2 and 1 more transcripts); c.1448G>A, p.Arg483His (NM_033289.2); short protein forms R521H, R483H.
Identifiers: ClinVar variation 426567 (VCV000426567.2), dbSNP rs369909019, ClinGen allele CA10347444.